The following is an entry in ClinVar:

ClinVar aggregate classification (germline): Likely pathogenic (1 of 4 stars; one submission).

Conditions:
Familial thoracic aortic aneurysm and aortic dissection (TAAD). Also called: Thoracic aortic aneurysms and dissections. Identifiers: Orphanet 91387, MedGen C4707243, MONDO:0019625.

Submission:

Labcorp Genetics (formerly Invitae), Labcorp
Classification: Likely pathogenic for Familial thoracic aortic aneurysm and aortic dissection. Last evaluated: 2024-09-23. Review status: criteria provided, single submitter. Criteria: Invitae Variant Classification Sherloc (09022015). Collection method: clinical testing. Allele origin: germline.
Comment: This sequence change affects an acceptor splice site in intron 1 of the TGFBR1 gene. It is expected to disrupt RNA splicing. Variants that disrupt the donor or acceptor splice site typically lead to a loss of protein function (PMID: 16199547), and loss-of-function variants in TGFBR1 are known to be pathogenic (PMID: 21358634). This variant is not present in population databases (gnomAD no frequency). Disruption of this splice site has been observed in individual(s) with clinical features of TGFBR1-related conditions (internal data). Algorithms developed to predict the effect of sequence changes on RNA splicing suggest that this variant may disrupt the consensus splice site. In summary, the currently available evidence indicates that the variant is pathogenic, but additional data are needed to prove that conclusively. Therefore, this variant has been classified as Likely Pathogenic.

Literature cited by the submitters: PubMed 16199547; PubMed 21358634.

NM_004612.4(TGFBR1):c.98-2A>C

Gene: TGFBR1 (transforming growth factor beta receptor 1; plus strand). Cytogenetic location: 9q22.33.
Variant type: single nucleotide variant.
Coding change: c.98-2A>C on transcript NM_004612.4 (MANE Select); the canonical splice acceptor site of the intron before coding-DNA position 98, A replaced by C.
Molecular consequence: splice acceptor variant. On other transcripts: intron variant (3).
Genome position (GRCh38, 1-based): chr9:99,128,853, A>C. VCF-style: chr9-99128853-A-C. GRCh37 (hg19) VCF-style: chr9-101891135-A-C.
Other names: c.-110-2A>C (NM_001407418.1, NM_001407423.1, NM_001407424.1 and 12 more transcripts); c.98-2A>C (NM_001306210.2, NM_001407416.1, NM_001407417.1 and 2 more transcripts); c.98-3656A>C (NM_001407436.1); c.98-9006A>C (NM_001407438.1); c.98-13683A>C (NM_001407437.1).
Identifiers: ClinVar variation 3721355 (VCV003721355.2).